The following is an entry in ClinVar:

NM_022041.4(GAN):c.173A>G (p.Lys58Arg)

Gene: GAN (gigaxonin; plus strand). Cytogenetic location: 16q23.2.
Variant type: single nucleotide variant.
Coding change: c.173A>G on transcript NM_022041.4 (MANE Select); coding-DNA position 173, A replaced by G.
Protein change: p.Lys58Arg; replaces lysine 58 with arginine.
Molecular consequence: missense variant. On other transcripts: intron variant (1).
Genome position (GRCh38, 1-based): chr16:81,351,588, A>G. VCF-style: chr16-81351588-A-G. GRCh37 (hg19) VCF-style: chr16-81385193-A-G.
Other names: c.-357-2817A>G (NM_001377486.1); short protein forms K58R.
Identifiers: ClinVar variation 465393 (VCV000465393.7), dbSNP rs1265285256, ClinGen allele CA396865181.

ClinVar aggregate classification (germline): Uncertain significance (1 of 4 stars; one submission).

Conditions:
Giant axonal neuropathy 1 (GAN1). Also called: GIANT AXONAL NEUROPATHY 1, AUTOSOMAL RECESSIVE; GAN-Related Neurodegeneration. Identifiers: Orphanet 643, MedGen C1850386, MONDO:0009749, OMIM 256850.

Allele frequency attached by ClinVar (database versions not stated): gnomAD exomes below 0.00001; TOPMed below 0.00001; gnomAD 0.00001.
gnomAD v4.1: 26 of 1,371,744 alleles (0.0019%); highest among the groups gnomAD compares: Non-Finnish European, 0.0026%; no homozygotes.

Submission:

Labcorp Genetics (formerly Invitae), Labcorp
Classification: Uncertain significance for Giant axonal neuropathy 1. Last evaluated: 2025-03-31. Review status: criteria provided, single submitter. Criteria: Invitae Variant Classification Sherloc (09022015). Collection method: clinical testing. Allele origin: germline.
Comment: This sequence change replaces lysine, which is basic and polar, with arginine, which is basic and polar, at codon 58 of the GAN protein (p.Lys58Arg). This variant is present in population databases (no rsID available, gnomAD 0.002%). This variant has not been reported in the literature in individuals affected with GAN-related conditions. ClinVar contains an entry for this variant (Variation ID: 465393). Invitae Evidence Modeling of protein sequence and biophysical properties (such as structural, functional, and spatial information, amino acid conservation, physicochemical variation, residue mobility, and thermodynamic stability) indicates that this missense variant is not expected to disrupt GAN protein function with a negative predictive value of 80%. In summary, the available evidence is currently insufficient to determine the role of this variant in disease. Therefore, it has been classified as a Variant of Uncertain Significance.